The following is an entry in ClinVar:

NM_000038.6(APC):c.8489G>A (p.Ser2830Asn)

Gene: APC (APC regulator of Wnt signaling pathway; plus strand). Cytogenetic location: 5q22.2.
Variant type: single nucleotide variant.
Coding change: c.8489G>A on transcript NM_000038.6 (MANE Select); coding-DNA position 8489, G replaced by A.
Protein change: p.Ser2830Asn; replaces serine 2830 with asparagine.
Molecular consequence: missense variant. On other transcripts: non-coding transcript variant (2).
Genome position (GRCh38, 1-based): chr5:112,844,083, G>A. VCF-style: chr5-112844083-G-A. GRCh37 (hg19) VCF-style: chr5-112179780-G-A.
Other names: c.8489G>A, p.Ser2830Asn (NM_001354895.2, NM_001407450.1, NM_001127510.3); c.8543G>A, p.Ser2848Asn (NM_001354896.2, NM_001407447.1, NM_001407448.1 and 1 more transcripts); c.8519G>A, p.Ser2840Asn (NM_001354897.2); c.8414G>A, p.Ser2805Asn (NM_001354898.2); c.8405G>A, p.Ser2802Asn (NM_001354899.2); c.8366G>A, p.Ser2789Asn (NM_001354900.2); c.8312G>A, p.Ser2771Asn (NM_001354901.2, NM_001407453.1); c.8216G>A, p.Ser2739Asn (NM_001354902.2); and 12 more; short protein forms S2704N, S2805N, S2812N, S2820N, S2840N, S2858N, S2670N, S2789N.
Identifiers: ClinVar variation 2773778 (VCV002773778.3), dbSNP rs1393740164, ClinGen allele CA16039746.

ClinVar aggregate classification (germline): Uncertain significance. Review status: criteria provided, multiple submitters, no conflicts (2 of 4 stars). 2 submissions from 2 submitters: Uncertain significance (2). Last evaluated 2026-08-16.

Conditions:
Hereditary cancer-predisposing syndrome. Also called: Hereditary Cancer Syndrome; Hereditary neoplastic syndrome; Neoplastic Syndromes, Hereditary; Tumor predisposition. Identifiers: Orphanet 140162, MedGen C0027672, MeSH D009386, MONDO:0015356.

Submissions (2):

Ambry Genetics
Classification: Uncertain significance for Hereditary cancer-predisposing syndrome. Last evaluated: 2026-08-16. Review status: criteria provided, single submitter. Criteria: Ambry Variant Classification Scheme 2023. Collection method: clinical testing. Allele origin: germline.
Comment: The p.S2830N variant (also known as c.8489G>A), located in coding exon 15 of the APC gene, results from a G to A substitution at nucleotide position 8489. The serine at codon 2830 is replaced by asparagine, an amino acid with highly similar properties. This amino acid position is conserved. In addition, in silico predictors for this gene do not accurately predict pathogenicity. Based on the available evidence, the clinical significance of this variant remains unclear.

Color Diagnostics, LLC DBA Color Health
Classification: Uncertain significance for Hereditary cancer-predisposing syndrome. Last evaluated: 2024-03-06. Review status: criteria provided, single submitter. Criteria: ACMG Guidelines, 2015. Collection method: clinical testing. Allele origin: germline.
Comment: This missense variant replaces serine with asparagine at codon 2830 of the APC protein. Computational prediction suggests that this variant may not impact protein structure and function (internally defined REVEL score threshold <= 0.5, PMID: 27666373). To our knowledge, functional studies have not been reported for this variant. This variant has not been reported in individuals affected with APC-related disorders in the literature. This variant has not been identified in the general population by the Genome Aggregation Database (gnomAD). The available evidence is insufficient to determine the role of this variant in disease conclusively. Therefore, this variant is classified as a Variant of Uncertain Significance.